The following is an entry in ClinVar:

ClinVar aggregate classification (germline): Uncertain significance (1 of 4 stars; one submission).

Conditions:
Hypertrophic cardiomyopathy. Also called: HYPERTROPHIC MYOCARDIOPATHY. Identifiers: Orphanet 217569, MedGen C0007194, MeSH D002312, MONDO:0005045, HP:0001639.

Submission:

Labcorp Genetics (formerly Invitae), Labcorp
Classification: Uncertain significance for Hypertrophic cardiomyopathy. Last evaluated: 2024-10-18. Review status: criteria provided, single submitter. Criteria: Invitae Variant Classification Sherloc (09022015). Collection method: clinical testing. Allele origin: germline.
Comment: This sequence change replaces aspartic acid, which is acidic and polar, with glutamic acid, which is acidic and polar, at codon 264 of the MYBPC3 protein (p.Asp264Glu). This variant is present in population databases (no rsID available, gnomAD 0.004%). This variant has not been reported in the literature in individuals affected with MYBPC3-related conditions. An algorithm developed to predict the effect of missense changes on protein structure and function (PolyPhen-2) suggests that this variant is likely to be tolerated. In summary, the available evidence is currently insufficient to determine the role of this variant in disease. Therefore, it has been classified as a Variant of Uncertain Significance.

NM_000256.3(MYBPC3):c.792C>G (p.Asp264Glu)

Gene: MYBPC3 (myosin binding protein C3; minus strand). Cytogenetic location: 11p11.2.
Variant type: single nucleotide variant.
Coding change: c.792C>G on transcript NM_000256.3 (MANE Select); coding-DNA position 792, C replaced by G.
Protein change: p.Asp264Glu; replaces aspartic acid 264 with glutamic acid.
Molecular consequence: missense variant.
Genome position (GRCh38, 1-based): chr11:47,347,886, G>C on the plus strand (C>G on the coding strand, the complement: MYBPC3 is on the minus strand). VCF-style: chr11-47347886-G-C. GRCh37 (hg19) VCF-style: chr11-47369437-G-C.
Other names: short protein forms D264E.
Identifiers: ClinVar variation 2722434 (VCV002722434.3), dbSNP rs1249811400, ClinGen allele CA380333894.